The following is an entry in ClinVar:

NM_001519.4(BRF1):c.468C>G (p.Leu156=)

Gene: BRF1 (BRF1 general transcription factor IIIB subunit; minus strand). Cytogenetic location: 14q32.33.
Variant type: single nucleotide variant.
Coding change: c.468C>G on transcript NM_001519.4 (MANE Select); coding-DNA position 468, C replaced by G.
Protein change: p.Leu156=; no amino-acid change (leucine 156 retained).
Molecular consequence: synonymous variant.
Genome position (GRCh38, 1-based): chr14:105,256,521, G>C on the plus strand (C>G on the coding strand, the complement: BRF1 is on the minus strand). VCF-style: chr14-105256521-G-C. GRCh37 (hg19) VCF-style: chr14-105722858-G-C.
Other names: c.123C>G, p.Leu41= (NM_001242786.2, NM_001242787.2); c.387C>G, p.Leu129= (NM_001242788.2); c.468C>G, p.Leu156= (NM_001242790.2).
Identifiers: ClinVar variation 714000 (VCV000714000.28), dbSNP rs138068993, ClinGen allele CA7388111.
Genomic context (GRCh38, chr14:105,256,521, plus strand): 5'-CACAACCCCCAGGTCACAACCCCAGGTGGGGAAAGATGCAGGACGGAGGCTGTCTACCTG[G>C]AGCAGGTCGCTGAGGTCCAGGAGCATGTCTGCAGCAGGAGTCAAGGATCCTGTCGAGTGG-3'
Protein context (NP_001510.2, residues 146-166): PHMLLDLSDL[Leu156=]QVNVYVLGKT

ClinVar aggregate classification (germline): Likely benign. Review status: criteria provided, multiple submitters, no conflicts (2 of 4 stars). 3 submissions from 3 submitters: Likely benign (3). Last evaluated 2024-02-01.

Allele frequency attached by ClinVar (database versions not stated): ExAC 0.00012; gnomAD exomes 0.00019 and 0.00031; TOPMed 0.00020; gnomAD 0.00027 and 0.00029; ESP Exome Variant Server 0.00046.
gnomAD v4.1: 500 of 1,614,004 alleles (0.031%); highest among the groups gnomAD compares: Non-Finnish European, 0.039%; 1 homozygote.

Submissions (3):

CeGaT Center for Human Genetics Tuebingen
Classification: Likely benign. Last evaluated: 2024-02-01. Review status: criteria provided, single submitter. Criteria: CeGaT Center For Human Genetics Tuebingen Variant Classification Criteria Version 2. Collection method: clinical testing. Allele origin: germline. Affected: yes. Observed: 3 variant alleles.
Comment: BRF1: BP4, BP7

Labcorp Genetics (formerly Invitae), Labcorp
Classification: Likely benign. Last evaluated: 2018-10-19. Review status: criteria provided, single submitter. Criteria: Invitae Variant Classification Sherloc (09022015). Collection method: clinical testing. Allele origin: germline.

Breakthrough Genomics
Classification: Likely benign. Review status: criteria provided, single submitter. Criteria: ACMG Guidelines, 2015. Collection method: not provided. Allele origin: germline. Inheritance: Autosomal recessive inheritance. Affected: yes.